The following is an entry in ClinVar:

NM_000256.3(MYBPC3):c.1789C>T (p.Arg597Trp)

Gene: MYBPC3 (myosin binding protein C3; minus strand). Cytogenetic location: 11p11.2.
Variant type: single nucleotide variant.
Coding change: c.1789C>T on transcript NM_000256.3 (MANE Select); coding-DNA position 1789, C replaced by T.
Protein change: p.Arg597Trp; replaces arginine 597 with tryptophan.
Molecular consequence: missense variant.
Genome position (GRCh38, 1-based): chr11:47,341,992, G>A on the plus strand (C>T on the coding strand, the complement: MYBPC3 is on the minus strand). VCF-style: chr11-47341992-G-A. GRCh37 (hg19) VCF-style: chr11-47363543-G-A.
Other names: p.R597W:CGG>TGG; short protein forms R597W.
Identifiers: ClinVar variation 179549 (VCV000179549.35), dbSNP rs201596087, ClinGen allele CA011112.

ClinVar aggregate classification (germline): Conflicting classifications of pathogenicity. Review status: criteria provided, conflicting classifications (1 of 4 stars). 15 submissions from 15 submitters: Likely pathogenic (1); Uncertain significance (12). 2 of the submissions do not count toward it. Last evaluated 2026-11-24.

Conditions:
MYBPC3-related disorder. Also called: MYBPC3-related disorders; MYBPC3-related condition; MYBPC3-related disease.
Cardiovascular phenotype. Identifiers: MedGen CN230736.
Left ventricular noncompaction 10 (LVNC10). Identifiers: Orphanet 154, Orphanet 54260, MedGen C3715165, MONDO:0014163, OMIM 615396.
Hypertrophic cardiomyopathy 4. Also called: Familial hypertrophic cardiomyopathy 4. Identifiers: MedGen C1861862, MONDO:0007268, OMIM 115197.
Cardiomyopathy (CMYO). Also called: Cardiomyopathies. Identifiers: Orphanet 167848, MedGen C0878544, MONDO:0004994, HP:0001638. Inheritance: Various modes of inheritance.
Hypertrophic cardiomyopathy. Also called: HYPERTROPHIC MYOCARDIOPATHY. Identifiers: Orphanet 217569, MedGen C0007194, MeSH D002312, MONDO:0005045, HP:0001639.

Allele frequency attached by ClinVar (database versions not stated): gnomAD exomes 0.00003; ExAC 0.00004; gnomAD 0.00005; TOPMed 0.00005.
gnomAD v4.1: 53 of 1,558,666 alleles (0.0034%); highest among the groups gnomAD compares: Non-Finnish European, 0.0043%; no homozygotes.

Submissions 1 to 7 of 15:

Clinical Genetics Laboratory, Skane University Hospital Lund
Classification: Uncertain significance for Cardiomyopathy. Last evaluated: 2026-11-24. Review status: criteria provided, single submitter. Criteria: ACMG Guidelines, 2015. Collection method: clinical testing. Allele origin: germline. Affected: yes. Observed: 1 variant allele.

PreventionGenetics, part of Exact Sciences
Classification: Uncertain significance for MYBPC3-related condition. Last evaluated: 2026-02-16. Review status: criteria provided, single submitter. Criteria: ACMG Guidelines, 2015. Collection method: clinical testing. Allele origin: germline.
Comment: The MYBPC3 c.1789C>T variant is predicted to result in the amino acid substitution p.Arg597Trp. This variant has been reported in cohort studies of individuals with hypertrophic cardiomyopathy (HCM) (see, for example: Coppini et al. 2014. PubMed ID: 25524337; Walsh et al. 2016. PubMed ID: 27532257; Preveden et al. 2022. PubMed ID: 35208637) and in one individual with arrhythmogenic right ventricular cardiomyopathy (Lenarduzzi et al. 2023. PubMed ID: 36788754). The variant c.1789C>T affects the second to last nucleotide of exon 18 and has been shown not to significantly affect splicing (Dataset S6, Ito et al. 2017. PubMed ID: 28679633). An alternate missense change at this amino acid (c.1790 G>A, p.Arg597Gln) has been reported in individuals with HCM (see, for example: Curila et al. 2012. PubMed ID: 22455086; McGurk et al. 2023. PubMed ID: 37652022; Robyns et al. 2020. PubMed ID: 31513939) and is reported as pathogenic or Likely pathogenic in Clinvar (Clinvar ID: 164098); however, c.1790 G>A affects the last nucleotide of exon 18 and has been shown to result in aberrant splicing (Millat et al. 2015. PubMed ID: 25849606; Dataset S6, Ito et al. 2017. PubMed ID: 28679633). At this time, the clinical significance of this variant is uncertain due to the absence of conclusive functional and genetic evidence.

Ambry Genetics
Classification: Uncertain significance for Cardiovascular phenotype. Last evaluated: 2026-01-22. Review status: criteria provided, single submitter. Criteria: Ambry Variant Classification Scheme 2023. Collection method: clinical testing. Allele origin: germline.
Comment: The p.R597W variant (also known as c.1789C>T), located in coding exon 18 of the MYBPC3 gene, results from a C to T substitution at nucleotide position 1789. The arginine at codon 597 is replaced by tryptophan, an amino acid with dissimilar properties. This variant was reported in individual(s) with features consistent with hypertrophic cardiomyopathy (HCM) or dilated cardiomyopathy (DCM) (Coppini R et al. J. Am. Coll. Cardiol., 2014 Dec;64:2589-2600; Walsh R et al. Genet. Med., 2017 Feb;19:192-203; Helms AS et al. Circ Genom Precis Med. 2020 Oct;13(5):396-405; Janin A et al. Mol Diagn Ther. 2021 May;25(3):373-385; Ambry internal data). This variant co-occurred in trans with an MYBPC3 frameshift variant in a pediatric proband with HCM; relatives who were heterozygous for p.R597W only were reportedly unaffected (Chen X et al. Medicine (Baltimore), 2019 Mar;98:e14676). This amino acid position is highly conserved in available vertebrate species. In addition, the in silico prediction for this alteration is inconclusive. Based on the available evidence, the clinical significance of this variant remains unclear.

Labcorp Genetics (formerly Invitae), Labcorp
Classification: Likely pathogenic for Hypertrophic cardiomyopathy. Last evaluated: 2025-10-23. Review status: criteria provided, single submitter. Criteria: Invitae Variant Classification Sherloc (09022015). Collection method: clinical testing. Allele origin: germline.
Comment: This sequence change replaces arginine, which is basic and polar, with tryptophan, which is neutral and slightly polar, at codon 597 of the MYBPC3 protein (p.Arg597Trp). The frequency data for this variant in the population databases is considered unreliable, as metrics indicate poor data quality at this position in the gnomAD database. This missense change has been observed in individuals with hypertrophic cardiomyopathy (PMID: 25524337, 27532257, 30896616, 33782553, 36788754, 37652022). ClinVar contains an entry for this variant (Variation ID: 179549). An algorithm developed to predict the effect of missense changes on protein structure and function (PolyPhen-2) suggests that this variant is likely to be disruptive. In summary, the currently available evidence indicates that the variant is pathogenic, but additional data are needed to prove that conclusively. Therefore, this variant has been classified as Likely Pathogenic.

GeneDx
Classification: Uncertain significance. Last evaluated: 2025-05-27. Review status: criteria provided, single submitter. Criteria: GeneDx Variant Classification Process June 2021. Collection method: clinical testing. Allele origin: germline. Affected: yes.
Comment: Identified in unrelated patients with HCM and ARVC in published literature as well as in patients with HCM, LVNC, or DCM referred for genetic testing at GeneDx, although at least one individual harbored an additional variant that likely contributed to disease (PMID: 35208637, 36788754, 37652022, 25524337, 27532257, 33782553, Serio A et al., European Society of Cardiology Working Group. Myocardial and Pericardial diseases Newsletter; March, 2009); Identified in a pediatric patient with HCM who also harbored a pathogenic variant in the MYBPC3 gene in trans (PMID: 30896616); In silico analysis supports that this missense variant has a deleterious effect on protein structure/function; This variant is associated with the following publications: (PMID: 25524337, 28679633, 33258288, 33782553, 35208637, 36788754, 37652022, 27532257, 30896616)

Molecular Diagnostic Laboratory for Inherited Cardiovascular Disease, Montreal Heart Institute
Classification: Uncertain significance for Cardiovascular phenotype. Last evaluated: 2025-04-09. Review status: criteria provided, single submitter. Criteria: ACMG Guidelines, 2015. Collection method: clinical testing. Allele origin: germline. Affected: yes.
Comment: PM2, PS4_supp, PP3

All of Us Research Program, National Institutes of Health
Classification: Uncertain significance for Hypertrophic cardiomyopathy. Last evaluated: 2024-04-10. Review status: criteria provided, single submitter. Criteria: ACMG Guidelines, 2015. Collection method: clinical testing. Allele origin: germline. Inheritance: Autosomal dominant inheritance. Observed: 7 variant alleles, 7 heterozygotes.
Comment: This missense variant replaces arginine with tryptophan at codon 597 of the MYBPC3 protein. Computational prediction suggests that this variant may have deleterious impact on protein structure and function (internally defined REVEL score threshold >= 0.7, PMID: 27666373). To our knowledge, functional studies have not been reported for this variant.This variant has been reported in two unrelated individuals affected with hypertrophic cardiomyopathy (HCM) (PMID: 25524337, 27532257). This variant has been reported in another individual affected with HCM, who also carried a pathogenic truncation variant in the same gene (PMID: 30896616). Additionally, this variant has been reported in three related individuals from an Italian family affected with HCM, who also carried a variant of uncertain significance in the MYH7 gene (Serio 2009). This variant has not been identified in the general population by the Genome Aggregation Database (gnomAD). A different variant occurring at the same codon, p.Arg597Gln, is a well documented pathogenic mutation (Clinvar variation ID: 164098), indicating that arginine at this position is important for MYBPC3 protein function. The available evidence is insufficient to determine the role of this variant in disease conclusively. Therefore, this variant is classified as a Variant of Uncertain Significance.

This study involves interpretation of variants in research participants for the purpose of population health screening. Participant phenotype was not available at the time of variant classification. Additional details can be found in publication PMID: 35346344, PMCID: PMC8962531